The following is an entry in ClinVar:

NM_013275.6(ANKRD11):c.3238C>A (p.Leu1080Ile)

Gene: ANKRD11 (ankyrin repeat domain containing 11; minus strand). Cytogenetic location: 16q24.3.
Variant type: single nucleotide variant.
Coding change: c.3238C>A on transcript NM_013275.6 (MANE Select); coding-DNA position 3238, C replaced by A.
Protein change: p.Leu1080Ile; replaces leucine 1080 with isoleucine.
Molecular consequence: missense variant.
Genome position (GRCh38, 1-based): chr16:89,283,304, G>T on the plus strand (C>A on the coding strand, the complement: ANKRD11 is on the minus strand). VCF-style: chr16-89283304-G-T. GRCh37 (hg19) VCF-style: chr16-89349712-G-T.
Other names: c.3238C>A, p.Leu1080Ile (NM_001256182.2, NM_001256183.2); short protein forms L1080I.
Identifiers: ClinVar variation 1312945 (VCV001312945.2), dbSNP rs867828589, ClinGen allele CA397160269.

ClinVar aggregate classification (germline): Uncertain significance (1 of 4 stars; one submission).

gnomAD v4.1: 1 of 1,614,040 alleles (0.000062%); highest among the groups gnomAD compares: Non-Finnish European, 0.000085%; no homozygotes.

Submission:

GeneDx
Classification: Uncertain significance. Last evaluated: 2020-01-27. Review status: criteria provided, single submitter. Criteria: GeneDx Variant Classification Process June 2021. Collection method: clinical testing. Allele origin: germline. Affected: yes.
Comment: Not observed in large population cohorts (Lek et al., 2016); In silico analysis, which includes protein predictors and evolutionary conservation, supports that this variant does not alter protein structure/function; Has not been previously published as pathogenic or benign to our knowledge